The following is an entry in ClinVar:

ClinVar aggregate classification (germline): Likely pathogenic (1 of 4 stars; one submission).

Conditions:
Dyskeratosis congenita, autosomal dominant 2. Identifiers: MedGen C3151443, MONDO:0013521, OMIM 613989.
Idiopathic Pulmonary Fibrosis. Also called: Idiopathic fibrosing alveolitis, chronic form; idiopathic fibrosing alveolitis. Identifiers: Orphanet 2032, MedGen C1800706, MeSH D054990, MONDO:0800504.

Submission:

Labcorp Genetics (formerly Invitae), Labcorp
Classification: Likely pathogenic for Dyskeratosis congenita, autosomal dominant 2; Idiopathic Pulmonary Fibrosis. Last evaluated: 2024-12-12. Review status: criteria provided, single submitter. Criteria: Invitae Variant Classification Sherloc (09022015). Collection method: clinical testing. Allele origin: germline.
Comment: This sequence change replaces proline, which is neutral and non-polar, with arginine, which is basic and polar, at codon 702 of the TERT protein (p.Pro702Arg). This variant is not present in population databases (gnomAD no frequency). This variant has not been reported in the literature in individuals affected with TERT-related conditions. Invitae Evidence Modeling of protein sequence and biophysical properties (such as structural, functional, and spatial information, amino acid conservation, physicochemical variation, residue mobility, and thermodynamic stability) indicates that this missense variant is expected to disrupt TERT protein function with a positive predictive value of 95%. This variant disrupts the p.Pro702 amino acid residue in TERT. Other variant(s) that disrupt this residue have been determined to be pathogenic (PMID: 18635888). This suggests that this residue is clinically significant, and that variants that disrupt this residue are likely to be disease-causing. In summary, the currently available evidence indicates that the variant is pathogenic, but additional data are needed to prove that conclusively. Therefore, this variant has been classified as Likely Pathogenic.

Literature cited by the submitters: PubMed 18635888.

NM_198253.3(TERT):c.2105C>G (p.Pro702Arg)

Gene: TERT (telomerase reverse transcriptase; minus strand). Cytogenetic location: 5p15.33.
Variant type: single nucleotide variant.
Coding change: c.2105C>G on transcript NM_198253.3 (MANE Select); coding-DNA position 2105, C replaced by G.
Protein change: p.Pro702Arg; replaces proline 702 with arginine.
Molecular consequence: missense variant. On other transcripts: non-coding transcript variant (2).
Genome position (GRCh38, 1-based): chr5:1,279,316, G>C on the plus strand (C>G on the coding strand, the complement: TERT is on the minus strand). VCF-style: chr5-1279316-G-C. GRCh37 (hg19) VCF-style: chr5-1279431-G-C.
Other names: c.2105C>G, p.Pro702Arg (NM_001193376.3); short protein forms P702R.
Identifiers: ClinVar variation 3759138 (VCV003759138.2).